The following is an entry in ClinVar:

ClinVar aggregate classification (germline): Uncertain significance (1 of 4 stars; one submission).

Conditions:
Congenital sideroblastic anemia-B-cell immunodeficiency-periodic fever-developmental delay syndrome. Also called: Sideroblastic anemia with B-cell immunodeficiency, periodic fevers, and developmental delay. Identifiers: Orphanet 369861, MedGen C4015172, MONDO:0014487, OMIM 616084.

gnomAD v4.1: 2 of 1,613,916 alleles (0.00012%); highest among the groups gnomAD compares: Admixed American, 0.0017%; no homozygotes.

Submission:

Labcorp Genetics (formerly Invitae), Labcorp
Classification: Uncertain significance for Congenital sideroblastic anemia-B-cell immunodeficiency-periodic fever-developmental delay syndrome. Last evaluated: 2022-06-20. Review status: criteria provided, single submitter. Criteria: Invitae Variant Classification Sherloc (09022015). Collection method: clinical testing. Allele origin: germline.
Comment: In summary, the available evidence is currently insufficient to determine the role of this variant in disease. Therefore, it has been classified as a Variant of Uncertain Significance. Algorithms developed to predict the effect of missense changes on protein structure and function are either unavailable or do not agree on the potential impact of this missense change (SIFT: "Deleterious"; PolyPhen-2: "Probably Damaging"; Align-GVGD: "Class C0"). ClinVar contains an entry for this variant (Variation ID: 647249). This variant has not been reported in the literature in individuals affected with TRNT1-related conditions. This variant is not present in population databases (gnomAD no frequency). This sequence change replaces leucine, which is neutral and non-polar, with phenylalanine, which is neutral and non-polar, at codon 246 of the TRNT1 protein (p.Leu246Phe).

NM_182916.3(TRNT1):c.736C>T (p.Leu246Phe)

Gene: TRNT1 (tRNA nucleotidyl transferase 1; plus strand). Cytogenetic location: 3p26.2.
Variant type: single nucleotide variant.
Coding change: c.736C>T on transcript NM_182916.3 (MANE Select); coding-DNA position 736, C replaced by T.
Protein change: p.Leu246Phe; replaces leucine 246 with phenylalanine.
Molecular consequence: missense variant. On other transcripts: non-coding transcript variant (6).
Genome position (GRCh38, 1-based): chr3:3,146,557, C>T. VCF-style: chr3-3146557-C-T. GRCh37 (hg19) VCF-style: chr3-3188241-C-T.
Other names: c.736C>T, p.Leu246Phe (LRG_1314t1, NM_001302946.2, NM_001367321.1 and 2 more transcripts); short protein forms L246F.
Identifiers: ClinVar variation 647249 (VCV000647249.5), dbSNP rs1575064652, ClinGen allele CA351447189.